The following is an entry in ClinVar:

ClinVar aggregate classification (germline): Uncertain significance (1 of 4 stars; one submission).

Conditions:
C4BPA-related disorder. Also called: C4BPA-related condition.

Submission:

PreventionGenetics, part of Exact Sciences
Classification: Uncertain significance for C4BPA-related condition. Last evaluated: 2025-12-16. Review status: criteria provided, single submitter. Criteria: ACMG Guidelines, 2015. Collection method: clinical testing. Allele origin: germline.
Comment: The C4BPA c.472G>C variant is predicted to result in the amino acid substitution p.Asp158His. To our knowledge, this variant has not been reported in the literature or in a large population database (gnomAD), indicating this variant is rare. At this time, the clinical significance of this variant is uncertain due to the absence of conclusive functional and genetic evidence.

NM_000715.4(C4BPA):c.472G>C (p.Asp158His)

Gene: C4BPA (complement component 4 binding protein alpha; plus strand). Cytogenetic location: 1q32.2.
Variant type: single nucleotide variant.
Coding change: c.472G>C on transcript NM_000715.4 (MANE Select); coding-DNA position 472, G replaced by C.
Protein change: p.Asp158His; replaces aspartic acid 158 with histidine.
Molecular consequence: missense variant.
Genome position (GRCh38, 1-based): chr1:207,123,965, G>C. VCF-style: chr1-207123965-G-C. GRCh37 (hg19) VCF-style: chr1-207297310-G-C.
Other names: short protein forms D158H.
Identifiers: ClinVar variation 4991005 (VCV004991005.1).